The following is an entry in ClinVar:

NM_005076.5(CNTN2):c.260G>A (p.Arg87His)

Gene: CNTN2 (contactin 2; plus strand). Cytogenetic location: 1q32.1.
Variant type: single nucleotide variant.
Coding change: c.260G>A on transcript NM_005076.5 (MANE Select); coding-DNA position 260, G replaced by A.
Protein change: p.Arg87His; replaces arginine 87 with histidine.
Molecular consequence: missense variant. On other transcripts: non-coding transcript variant (1).
Genome position (GRCh38, 1-based): chr1:205,058,225, G>A. VCF-style: chr1-205058225-G-A. GRCh37 (hg19) VCF-style: chr1-205027353-G-A.
Other names: c.260G>A, p.Arg87His (NM_001346083.2); c.260G>A (NM_005076.3); short protein forms R87H.
Identifiers: ClinVar variation 2038018 (VCV002038018.4), dbSNP rs758394749, ClinGen allele CA1350987.

ClinVar aggregate classification (germline): Uncertain significance. Review status: criteria provided, multiple submitters, no conflicts (2 of 4 stars). 2 submissions from 2 submitters: Uncertain significance (2). Last evaluated 2023-04-25.

Conditions:
Epilepsy, familial adult myoclonic, 5 (EPEO5). Also called: CORTICAL MYOCLONIC TREMOR WITH EPILEPSY, FAMILIAL, 5. Identifiers: Orphanet 86814, MedGen C3809374, MONDO:0014167, OMIM 615400.

Allele frequency attached by ClinVar (database versions not stated): gnomAD 0.00001; gnomAD exomes 0.00002; ExAC 0.00005.
gnomAD v4.1: 25 of 1,571,502 alleles (0.0016%); highest among the groups gnomAD compares: Admixed American, 0.0018%; no homozygotes.

Submissions (2):

Ambry Genetics
Classification: Uncertain significance. Last evaluated: 2023-04-25. Review status: criteria provided, single submitter. Criteria: Ambry Variant Classification Scheme 2023. Collection method: clinical testing. Allele origin: germline.

Labcorp Genetics (formerly Invitae), Labcorp
Classification: Uncertain significance for Epilepsy, familial adult myoclonic, 5. Last evaluated: 2022-02-17. Review status: criteria provided, single submitter. Criteria: Invitae Variant Classification Sherloc (09022015). Collection method: clinical testing. Allele origin: germline.
Comment: Algorithms developed to predict the effect of sequence changes on RNA splicing suggest that this variant is not likely to affect RNA splicing. This sequence change replaces arginine, which is basic and polar, with histidine, which is basic and polar, at codon 87 of the CNTN2 protein (p.Arg87His). The frequency data for this variant in the population databases is considered unreliable, as metrics indicate poor data quality at this position in the gnomAD database. This variant has not been reported in the literature in individuals affected with CNTN2-related conditions. Advanced modeling of protein sequence and biophysical properties (such as structural, functional, and spatial information, amino acid conservation, physicochemical variation, residue mobility, and thermodynamic stability) performed at Invitae indicates that this missense variant is not expected to disrupt CNTN2 protein function. In summary, the available evidence is currently insufficient to determine the role of this variant in disease. Therefore, it has been classified as a Variant of Uncertain Significance.